The following is an entry in ClinVar:

NM_001127198.5(TMC6):c.1372T>C (p.Phe458Leu)

Gene: TMC6 (transmembrane channel like 6; minus strand). Cytogenetic location: 17q25.3.
Variant type: single nucleotide variant.
Coding change: c.1372T>C on transcript NM_001127198.5 (MANE Select); coding-DNA position 1372, T replaced by C.
Protein change: p.Phe458Leu; replaces phenylalanine 458 with leucine.
Molecular consequence: missense variant. On other transcripts: non-coding transcript variant (4).
Genome position (GRCh38, 1-based): chr17:78,121,567, A>G on the plus strand (T>C on the coding strand, the complement: TMC6 is on the minus strand). VCF-style: chr17-78121567-A-G. GRCh37 (hg19) VCF-style: chr17-76117648-A-G.
Other names: c.1372T>C, p.Phe458Leu (NM_001321185.1, NM_001374593.1, NM_001374594.1 and 4 more transcripts); short protein forms F458L.
Identifiers: ClinVar variation 4748228 (VCV004748228.1).
Genomic context (GRCh38, chr17:78,121,567, plus strand): 5'-CACTGGGGACACGTTCCAAGCAAGGGCCAGGCTCCCCCCATCCCCGCACCTGGATCATGA[A>G]CTCCGAGAAGACGTGGACGGCCACGGCGCAGCCCAGCGCGGTCCCCAGACACAGCAGCCA-3'
Protein context (NP_001120670.1, residues 448-468): CAVAVHVFSE[Phe458Leu]MIQSPEAAGQ

ClinVar aggregate classification (germline): Uncertain significance (1 of 4 stars; one submission).

Conditions:
Epidermodysplasia verruciformis. Identifiers: Orphanet 302, MedGen C0014522, MONDO:0009176.

gnomAD v4.1: 2 of 1,611,054 alleles (0.00012%); highest among the groups gnomAD compares: Non-Finnish European, 0.00017%; no homozygotes.

Submission:

Labcorp Genetics (formerly Invitae), Labcorp
Classification: Uncertain significance for Epidermodysplasia verruciformis. Last evaluated: 2025-04-13. Review status: criteria provided, single submitter. Criteria: Invitae Variant Classification Sherloc (09022015). Collection method: clinical testing. Allele origin: germline.
Comment: This sequence change replaces phenylalanine, which is neutral and non-polar, with leucine, which is neutral and non-polar, at codon 458 of the TMC6 protein (p.Phe458Leu). This variant is not present in population databases (gnomAD no frequency). This variant has not been reported in the literature in individuals affected with TMC6-related conditions. An algorithm developed to predict the effect of missense changes on protein structure and function outputs the following: PolyPhen-2: "Benign". The leucine amino acid residue is found in multiple mammalian species, which suggests that this missense change does not adversely affect protein function. In summary, the available evidence is currently insufficient to determine the role of this variant in disease. Therefore, it has been classified as a Variant of Uncertain Significance.